The following is an entry in ClinVar:

NM_000548.5(TSC2):c.1584G>A (p.Leu528=)

Gene: TSC2 (TSC complex subunit 2; plus strand). Cytogenetic location: 16p13.3.
Variant type: single nucleotide variant.
Coding change: c.1584G>A on transcript NM_000548.5 (MANE Select); coding-DNA position 1584, G replaced by A.
Protein change: p.Leu528=; no amino-acid change (leucine 528 retained).
Molecular consequence: synonymous variant.
Genome position (GRCh38, 1-based): chr16:2,064,412, G>A. VCF-style: chr16-2064412-G-A. GRCh37 (hg19) VCF-style: chr16-2114413-G-A.
Other names: c.1584G>A, p.Leu528= (NM_001077183.3, NM_001114382.3, NM_001363528.2 and 3 more transcripts); c.1473G>A, p.Leu491= (NM_001318827.2); c.1437G>A, p.Leu479= (NM_001318829.2); c.984G>A, p.Leu328= (NM_001318831.2); c.1617G>A, p.Leu539= (NM_001318832.2).
Identifiers: ClinVar variation 704768 (VCV000704768.38), dbSNP rs1478821497, ClinGen allele CA492963156.

ClinVar aggregate classification (germline): Benign/Likely benign. Review status: criteria provided, multiple submitters, no conflicts (2 of 4 stars). 6 submissions from 6 submitters: Benign (1); Likely benign (5). Last evaluated 2025-05-28.

Conditions:
Tuberous sclerosis syndrome (TSC). Also called: Tuberous sclerosis; Tuberous Sclerosis Complex. Identifiers: Orphanet 805, MedGen C0041341, MONDO:0001734.
Tuberous sclerosis 2 (TSC2). Identifiers: Orphanet 805, MedGen C1860707, MONDO:0013199, OMIM 613254.
Hereditary cancer-predisposing syndrome. Also called: Neoplastic Syndromes, Hereditary; Tumor predisposition; Hereditary Cancer Syndrome; Hereditary neoplastic syndrome. Identifiers: Orphanet 140162, MedGen C0027672, MeSH D009386, MONDO:0015356.

Allele frequency attached by ClinVar (database versions not stated): gnomAD exomes below 0.00001; TOPMed below 0.00001; gnomAD 0.00001.
gnomAD v4.1: 7 of 1,613,510 alleles (0.00043%); highest among the groups gnomAD compares: Middle Eastern, 0.017%; no homozygotes.

Submissions (6):

Labcorp Genetics (formerly Invitae), Labcorp
Classification: Likely benign for Tuberous sclerosis 2. Last evaluated: 2025-05-28. Review status: criteria provided, single submitter. Criteria: Invitae Variant Classification Sherloc (09022015). Collection method: clinical testing. Allele origin: germline.

Myriad Genetics, Inc.
Classification: Benign for Tuberous sclerosis 2. Last evaluated: 2025-05-14. Review status: criteria provided, single submitter. Criteria: Myriad Autosomal Dominant, Autosomal Recessive and X-Linked Classification Criteria (2023). Collection method: clinical testing. Allele origin: unknown.
Comment: This variant is considered benign. This variant is a silent/synonymous amino acid change and it is not expected to impact splicing.

Blueprint Genetics
Classification: Likely benign. Last evaluated: 2024-10-14. Review status: criteria provided, single submitter. Criteria: ACMG Guidelines, 2015. Collection method: clinical testing. Allele origin: germline.

CeGaT Center for Human Genetics Tuebingen
Classification: Likely benign. Last evaluated: 2024-01-01. Review status: criteria provided, single submitter. Criteria: CeGaT Center For Human Genetics Tuebingen Variant Classification Criteria Version 2. Collection method: clinical testing. Allele origin: germline. Affected: yes. Observed: 1 variant allele.
Comment: TSC2: BP4, BP7

All of Us Research Program, National Institutes of Health
Classification: Likely benign for Tuberous sclerosis syndrome. Last evaluated: 2023-10-30. Review status: criteria provided, single submitter. Criteria: ACMG Guidelines, 2015. Collection method: clinical testing. Allele origin: germline. Inheritance: Autosomal dominant inheritance. Observed: 2 variant alleles, 2 heterozygotes.
Comment: This study involves interpretation of variants in research participants for the purpose of population health screening. Participant phenotype was not available at the time of variant classification. Additional details can be found in publication PMID: 35346344, PMCID: PMC8962531

Ambry Genetics
Classification: Likely benign for Hereditary cancer-predisposing syndrome. Last evaluated: 2019-09-08. Review status: criteria provided, single submitter. Criteria: Ambry Variant Classification Scheme 2023. Collection method: clinical testing. Allele origin: germline.